The following is an entry in ClinVar:

ClinVar aggregate classification (germline): Uncertain significance (1 of 4 stars; one submission).

Conditions:
Ehlers-Danlos syndrome, spondylodysplastic type, 2 (EDSSPD2). Also called: Ehlers-Danlos syndrome, progeroid type, 2. Identifiers: Orphanet 536467, Orphanet 75496, MedGen C3809210, MONDO:0014139, OMIM 615349.
Spondyloepimetaphyseal dysplasia with joint laxity (SEMDJL). Identifiers: MedGen C0432243, MONDO:0019675.

Submission:

Labcorp Genetics (formerly Invitae), Labcorp
Classification: Uncertain significance for Ehlers-Danlos syndrome, spondylodysplastic type, 2; Spondyloepimetaphyseal dysplasia with joint laxity. Last evaluated: 2025-12-14. Review status: criteria provided, single submitter. Criteria: Invitae Variant Classification Sherloc (09022015). Collection method: clinical testing. Allele origin: germline.
Comment: This sequence change affects codon 327 of the B3GALT6 mRNA. It is a 'silent' change, meaning that it does not change the encoded amino acid sequence of the B3GALT6 protein. This variant is not present in population databases (gnomAD no frequency). This variant has not been reported in the literature in individuals affected with B3GALT6-related conditions. In summary, the available evidence is currently insufficient to determine the role of this variant in disease. Therefore, it has been classified as a Variant of Uncertain Significance.

NM_080605.4(B3GALT6):c.981C>T (p.Gly327=)

Gene: B3GALT6 (beta-1,3-galactosyltransferase 6; plus strand). Cytogenetic location: 1p36.33.
Variant type: single nucleotide variant.
Coding change: c.981C>T on transcript NM_080605.4 (MANE Select); coding-DNA position 981, C replaced by T.
Protein change: p.Gly327=; no amino-acid change (glycine 327 retained).
Molecular consequence: synonymous variant.
Genome position (GRCh38, 1-based): chr1:1,233,259, C>T. VCF-style: chr1-1233259-C-T. GRCh37 (hg19) VCF-style: chr1-1168639-C-T.
Identifiers: ClinVar variation 4790577 (VCV004790577.1).